The following is an entry in ClinVar:

NM_015690.5(STK36):c.1158T>C (p.Asp386=)

Gene: STK36 (serine/threonine kinase 36; plus strand). Cytogenetic location: 2q35.
Variant type: single nucleotide variant.
Coding change: c.1158T>C on transcript NM_015690.5 (MANE Select); coding-DNA position 1158, T replaced by C.
Protein change: p.Asp386=; no amino-acid change (aspartic acid 386 retained).
Molecular consequence: synonymous variant.
Genome position (GRCh38, 1-based): chr2:218,680,624, T>C. VCF-style: chr2-218680624-T-C. GRCh37 (hg19) VCF-style: chr2-219545347-T-C.
Other names: c.1158T>C, p.Asp386= (NM_001243313.2, NM_001369423.1).
Identifiers: ClinVar variation 403499 (VCV000403499.35), dbSNP rs55839518, ClinGen allele CA2110722.

ClinVar aggregate classification (germline): Benign/Likely benign. Review status: criteria provided, multiple submitters, no conflicts (2 of 4 stars). 6 submissions from 6 submitters: Benign (1); Likely benign (4). 1 of the submissions does not count toward it. Last evaluated 2026-06-01.

Conditions:
STK36-related disorder. Also called: STK36-related condition.

Allele frequency attached by ClinVar (database versions not stated): 1000 Genomes Project 30x 0.00187; 1000 Genomes Project 0.00200; ESP Exome Variant Server 0.00300; gnomAD 0.00306; gnomAD exomes 0.00334; TOPMed 0.00368; ExAC 0.00374.

Submissions (6):

CeGaT Center for Human Genetics Tuebingen
Classification: Likely benign. Last evaluated: 2026-06-01. Review status: criteria provided, single submitter. Criteria: CeGaT Center For Human Genetics Tuebingen Variant Classification Criteria Version 2. Collection method: clinical testing. Allele origin: germline. Affected: yes. Observed: 5 variant alleles.
Comment: STK36: BP4, BP7, BS2

Blueprint Genetics
Classification: Likely benign. Last evaluated: 2024-11-18. Review status: criteria provided, single submitter. Criteria: ACMG Guidelines, 2015. Collection method: clinical testing. Allele origin: germline.

Labcorp Genetics (formerly Invitae), Labcorp
Classification: Benign. Last evaluated: 2019-12-31. Review status: criteria provided, single submitter. Criteria: Invitae Variant Classification Sherloc (09022015). Collection method: clinical testing. Allele origin: germline.

Laboratory for Molecular Medicine, Mass General Brigham Personalized Medicine
Classification: Likely benign. Last evaluated: 2016-03-29. Review status: criteria provided, single submitter. Criteria: LMM Criteria. Collection method: clinical testing. Allele origin: germline.
Comment: Variant identified in a genome or exome case(s) and assessed due to predicted null impact of the variant or pathogenic assertions in the literature or databases. Disclaimer: This variant has not undergone full assessment. The following are preliminary notes: Silent variant not in splice consensus

Breakthrough Genomics
Classification: Likely benign. Review status: criteria provided, single submitter. Criteria: ACMG Guidelines, 2015. Collection method: not provided. Allele origin: germline. Inheritance: Autosomal recessive inheritance. Affected: yes.

PreventionGenetics, part of Exact Sciences
Classification: Likely benign for STK36-related condition. Last evaluated: 2019-08-06. Review status: no assertion criteria provided. Collection method: clinical testing. Allele origin: germline. Not counted in ClinVar's aggregate classification.
Comment: This variant is classified as likely benign based on ACMG/AMP sequence variant interpretation guidelines (Richards et al. 2015 PMID: 25741868, with internal and published modifications).